The following is an entry in ClinVar:

ClinVar aggregate classification (germline): Uncertain significance. Review status: criteria provided, multiple submitters, no conflicts (2 of 4 stars). 2 submissions from 2 submitters: Uncertain significance (2). Last evaluated 2025-09-10.

Conditions:
Inborn genetic diseases. Identifiers: MedGen C0950123, MeSH D030342.
Predisposition to invasive fungal disease due to CARD9 deficiency (IMD103). Also called: IMMUNODEFICIENCY 103, SUSCEPTIBILITY TO FUNGAL INFECTIONS; Candidiasis, familial, 2, autosomal recessive; CARD9 IMMUNODEFICIENCY. Identifiers: Orphanet 457088, MedGen C1859353, MONDO:0008905, OMIM 212050.

Allele frequency attached by ClinVar (database versions not stated): ExAC 0.00001; gnomAD 0.00001; gnomAD exomes 0.00001; TOPMed 0.00002; ESP Exome Variant Server 0.00008.

Submissions (2):

Ambry Genetics
Classification: Uncertain significance for Inborn genetic diseases. Last evaluated: 2025-09-10. Review status: criteria provided, single submitter. Criteria: Ambry Variant Classification Scheme 2023. Collection method: clinical testing. Allele origin: germline.

Labcorp Genetics (formerly Invitae), Labcorp
Classification: Uncertain significance for Predisposition to invasive fungal disease due to CARD9 deficiency. Last evaluated: 2023-10-13. Review status: criteria provided, single submitter. Criteria: Invitae Variant Classification Sherloc (09022015). Collection method: clinical testing. Allele origin: germline.
Comment: This sequence change replaces arginine, which is basic and polar, with tryptophan, which is neutral and slightly polar, at codon 241 of the CARD9 protein (p.Arg241Trp). This variant is present in population databases (rs142221470, gnomAD 0.004%). This variant has not been reported in the literature in individuals affected with CARD9-related conditions. ClinVar contains an entry for this variant (Variation ID: 853380). Advanced modeling of protein sequence and biophysical properties (such as structural, functional, and spatial information, amino acid conservation, physicochemical variation, residue mobility, and thermodynamic stability) has been performed at Invitae for this missense variant, however the output from this modeling did not meet the statistical confidence thresholds required to predict the impact of this variant on CARD9 protein function. In summary, the available evidence is currently insufficient to determine the role of this variant in disease. Therefore, it has been classified as a Variant of Uncertain Significance.

NM_052813.5(CARD9):c.721C>T (p.Arg241Trp)

Gene: CARD9 (caspase recruitment domain family member 9; minus strand). Cytogenetic location: 9q34.3.
Variant type: single nucleotide variant.
Coding change: c.721C>T on transcript NM_052813.5 (MANE Select); coding-DNA position 721, C replaced by T.
Protein change: p.Arg241Trp; replaces arginine 241 with tryptophan.
Molecular consequence: missense variant.
Genome position (GRCh38, 1-based): chr9:136,370,608, G>A on the plus strand (C>T on the coding strand, the complement: CARD9 is on the minus strand). VCF-style: chr9-136370608-G-A. GRCh37 (hg19) VCF-style: chr9-139265060-G-A.
Other names: c.721C>T, p.Arg241Trp (NM_052814.4); short protein forms R241W.
Identifiers: ClinVar variation 853380 (VCV000853380.11), dbSNP rs142221470, ClinGen allele CA5333001.